The following is an entry in ClinVar:

ClinVar aggregate classification (germline): Pathogenic. Review status: criteria provided, multiple submitters, no conflicts (2 of 4 stars). 2 submissions from 2 submitters: Pathogenic (2). Last evaluated 2025-09-17.

Conditions:
Early-infantile DEE. Also called: Early infantile epileptic encephalopathy with suppression bursts; Ohtahara syndrome; Early infantile epileptic encephalopathy. Identifiers: Orphanet 1934, MedGen C0393706, MONDO:0800491.

Submissions (2):

Labcorp Genetics (formerly Invitae), Labcorp
Classification: Pathogenic for Early-infantile DEE. Last evaluated: 2025-09-17. Review status: criteria provided, single submitter. Criteria: Invitae Variant Classification Sherloc (09022015). Collection method: clinical testing. Allele origin: germline.
Comment: This sequence change creates a premature translational stop signal (p.Tyr347*) in the KCNQ2 gene. It is expected to result in an absent or disrupted protein product. Loss-of-function variants in KCNQ2 are known to be pathogenic (PMID: 14534157, 23692823, 27779742). This variant is not present in population databases (gnomAD no frequency). This premature translational stop signal has been observed in individual(s) with seizures (PMID: 31069529). ClinVar contains an entry for this variant (Variation ID: 817529). For these reasons, this variant has been classified as Pathogenic.

GeneDx
Classification: Pathogenic. Last evaluated: 2019-02-05. Review status: criteria provided, single submitter. Criteria: GeneDx Variant Classification (06012015). Collection method: clinical testing. Allele origin: germline. Affected: yes.
Comment: The Y347X nonsense variant in the KCNQ2 gene is predicted to cause loss of normal protein function either through protein truncation or nonsense-mediated mRNA decay. The Y347X variant is not observed in large population cohorts (Lek et al., 2016).

Literature cited by the submitters: PubMed 14534157 (cited by Labcorp Genetics (formerly Invitae), Labcorp); PubMed 23692823 (cited by Labcorp Genetics (formerly Invitae), Labcorp); PubMed 27779742 (cited by Labcorp Genetics (formerly Invitae), Labcorp); PubMed 31069529 (cited by Labcorp Genetics (formerly Invitae), Labcorp).

NM_172107.4(KCNQ2):c.1041C>G (p.Tyr347Ter)

Gene: KCNQ2 (potassium voltage-gated channel subfamily Q member 2; minus strand). Cytogenetic location: 20q13.33.
Variant type: single nucleotide variant.
Coding change: c.1041C>G on transcript NM_172107.4 (MANE Select); coding-DNA position 1041, C replaced by G.
Protein change: p.Tyr347Ter; replaces tyrosine 347 with a stop codon.
Molecular consequence: nonsense.
Genome position (GRCh38, 1-based): chr20:63,433,886, G>C on the plus strand (C>G on the coding strand, the complement: KCNQ2 is on the minus strand). VCF-style: chr20-63433886-G-C. GRCh37 (hg19) VCF-style: chr20-62065239-G-C.
Other names: c.1041C>G, p.Tyr347Ter (NM_004518.6, NM_172106.3, NM_172108.5 and 1 more transcripts); short protein forms Y347*.
Identifiers: ClinVar variation 817529 (VCV000817529.4), dbSNP rs770904422, ClinGen allele CA409651242.